The following is an entry in ClinVar:

NM_001082971.2(DDC):c.418G>A (p.Gly140Arg)

Genes: DDC (dopa decarboxylase; minus strand), DDC-AS1 (DDC antisense RNA 1; plus strand). Cytogenetic location: 7p12.1.
Variant type: single nucleotide variant.
Coding change: c.418G>A on transcript NM_001082971.2 (MANE Select); coding-DNA position 418, G replaced by A.
Protein change: p.Gly140Arg; replaces glycine 140 with arginine.
Molecular consequence: missense variant. On other transcripts: intron variant (1).
Genome position (GRCh38, 1-based): chr7:50,537,877, C>T on the plus strand (G>A on the coding strand, the complement: DDC is on the minus strand). VCF-style: chr7-50537877-C-T. GRCh37 (hg19) VCF-style: chr7-50605575-C-T.
Other names: c.418G>A, p.Gly140Arg (NM_000790.4, NM_001242887.2, NM_001242889.2 and 1 more transcripts); c.304G>A, p.Gly102Arg (NM_001242886.2); c.201+6008G>A (NM_001242888.2); short protein forms G102R, G140R.
Identifiers: ClinVar variation 1376830 (VCV001376830.9), dbSNP rs2153548491, ClinGen allele CA367527798.
Genomic context (GRCh38, chr7:50,537,877, plus strand): 5'-AGCCCATGCATCCCAAAAGTGGCCCTCACAGCTCCCACCTTACCTGGATCACTCCTCCCC[C>T]TTCTCCAGCTTTCTCATTCAAAAATGCCTTTGGTAGTTCCAGCATCTTCCCGAGCCAGTC-3'
Protein context (NP_001076440.2, residues 130-150): KAFLNEKAGE[Gly140Arg]GGVIQGSASE

ClinVar aggregate classification (germline): Uncertain significance. Review status: criteria provided, multiple submitters, no conflicts (2 of 4 stars). 2 submissions from 2 submitters: Uncertain significance (2). Last evaluated 2026-03-18.

Conditions:
Deficiency of aromatic-L-amino-acid decarboxylase. Also called: AADC DEFICIENCY; DDC DEFICIENCY; DOPA DECARBOXYLASE DEFICIENCY; Aromatic L-Amino Acid Decarboxylase Deficiency; Aromatic amino acid decarboxylase deficiency. Identifiers: Orphanet 35708, MedGen C1291564, MONDO:0012084, OMIM 608643.

Submissions (2):

Women's Health and Genetics/Laboratory Corporation of America, LabCorp
Classification: Uncertain significance. Last evaluated: 2026-03-18. Review status: criteria provided, single submitter. Criteria: LabCorp Variant Classification Summary - May 2015. Collection method: clinical testing. Allele origin: germline.
Comment: Variant summary: DDC c.418G>A (p.Gly140Arg) results in a non-conservative amino acid change in the encoded protein sequence. Algorithms developed to predict the effect of missense changes on protein structure and function all suggest that this variant is likely to be disruptive. The variant was absent in 251464 control chromosomes. The available data on variant occurrences in the general population are insufficient to allow any conclusion about variant significance. c.418G>A has been observed in a study screening for variants associated with Deficiency Of Aromatic-L-Amino-Acid Decarboxylase (Himmelreich_2022). These report(s) do not provide unequivocal conclusions about association of the variant with Deficiency Of Aromatic-L-Amino-Acid Decarboxylase. To our knowledge, no experimental evidence demonstrating an impact on protein function has been reported. The following publication have been ascertained in the context of this evaluation (PMID: 36427457). ClinVar contains an entry for this variant (Variation ID: 1376830). Based on the evidence outlined above, the variant was classified as uncertain significance.

Labcorp Genetics (formerly Invitae), Labcorp
Classification: Uncertain significance for Deficiency of aromatic-L-amino-acid decarboxylase. Last evaluated: 2021-06-19. Review status: criteria provided, single submitter. Criteria: Invitae Variant Classification Sherloc (09022015). Collection method: clinical testing. Allele origin: germline.
Comment: In summary, the available evidence is currently insufficient to determine the role of this variant in disease. Therefore, it has been classified as a Variant of Uncertain Significance. Algorithms developed to predict the effect of missense changes on protein structure and function (SIFT, PolyPhen-2, Align-GVGD) all suggest that this variant is likely to be disruptive, but these predictions have not been confirmed by published functional studies and their clinical significance is uncertain. This variant has not been reported in the literature in individuals with DDC-related conditions. This variant is not present in population databases (ExAC no frequency). This sequence change replaces glycine with arginine at codon 140 of the DDC protein (p.Gly140Arg). The glycine residue is highly conserved and there is a moderate physicochemical difference between glycine and arginine.

Literature cited by the submitters: PubMed 36427457 (cited by Women's Health and Genetics/Laboratory Corporation of America, LabCorp).